The following is an entry in ClinVar:

NM_032043.3(BRIP1):c.2512G>T (p.Asp838Tyr)

Gene: BRIP1 (BRCA1 interacting DNA helicase 1; minus strand). Cytogenetic location: 17q23.2.
Variant type: single nucleotide variant.
Coding change: c.2512G>T on transcript NM_032043.3 (MANE Select); coding-DNA position 2512, G replaced by T.
Protein change: p.Asp838Tyr; replaces aspartic acid 838 with tyrosine.
Molecular consequence: missense variant.
Genome position (GRCh38, 1-based): chr17:61,693,493, C>A on the plus strand (G>T on the coding strand, the complement: BRIP1 is on the minus strand). VCF-style: chr17-61693493-C-A. GRCh37 (hg19) VCF-style: chr17-59770854-C-A.
Other names: short protein forms D838Y.
Identifiers: ClinVar variation 1792422 (VCV001792422.2), dbSNP rs2144187416, ClinGen allele CA400482467.

ClinVar aggregate classification (germline): Uncertain significance (1 of 4 stars; one submission).

Conditions:
Hereditary cancer-predisposing syndrome. Also called: Hereditary Cancer Syndrome; Hereditary neoplastic syndrome; Tumor predisposition; Neoplastic Syndromes, Hereditary. Identifiers: Orphanet 140162, MedGen C0027672, MeSH D009386, MONDO:0015356.

Allele frequency attached by ClinVar (database versions not stated): gnomAD exomes below 0.00001.
gnomAD v4.1: 2 of 1,613,056 alleles (0.00012%); highest among the groups gnomAD compares: Non-Finnish European, 0.00017%; no homozygotes.

Submission:

Ambry Genetics
Classification: Uncertain significance for Hereditary cancer-predisposing syndrome. Last evaluated: 2022-05-19. Review status: criteria provided, single submitter. Criteria: Ambry Variant Classification Scheme 2023. Collection method: clinical testing. Allele origin: germline.
Comment: The p.D838Y variant (also known as c.2512G>T), located in coding exon 17 of the BRIP1 gene, results from a G to T substitution at nucleotide position 2512. The aspartic acid at codon 838 is replaced by tyrosine, an amino acid with highly dissimilar properties. This amino acid position is conserved. In addition, this alteration is predicted to be deleterious by in silico analysis. Since supporting evidence is limited at this time, the clinical significance of this alteration remains unclear.